The following is an entry in ClinVar:

NM_001206998.2(ZNRF3):c.981C>A (p.His327Gln)

Gene: ZNRF3 (zinc and ring finger 3; plus strand). Cytogenetic location: 22q12.1.
Variant type: single nucleotide variant.
Coding change: c.981C>A on transcript NM_001206998.2 (MANE Select); coding-DNA position 981, C replaced by A.
Protein change: p.His327Gln; replaces histidine 327 with glutamine.
Molecular consequence: missense variant.
Genome position (GRCh38, 1-based): chr22:29,048,457, C>A. VCF-style: chr22-29048457-C-A. GRCh37 (hg19) VCF-style: chr22-29444445-C-A.
Other names: c.681C>A, p.His227Gln (NM_032173.4); short protein forms H227Q, H327Q.
Identifiers: ClinVar variation 3341555 (VCV003341555.16).

ClinVar aggregate classification (germline): Likely benign (1 of 4 stars; one submission).

gnomAD v4.1: 7,182 of 1,614,178 alleles (0.44%); highest among the groups gnomAD compares: Middle Eastern, 2.1%; 42 homozygotes.

Submission:

CeGaT Center for Human Genetics Tuebingen
Classification: Likely benign. Last evaluated: 2024-08-01. Review status: criteria provided, single submitter. Criteria: CeGaT Center For Human Genetics Tuebingen Variant Classification Criteria Version 2. Collection method: clinical testing. Allele origin: germline. Affected: yes. Observed: 1 variant allele.
Comment: ZNRF3: PP3, BS2